The following is an entry in ClinVar:

NM_001351132.2(PEX5):c.120G>C (p.Trp40Cys)

Gene: PEX5 (peroxisomal biogenesis factor 5; plus strand). Cytogenetic location: 12p13.31.
Variant type: single nucleotide variant.
Coding change: c.120G>C on transcript NM_001351132.2 (MANE Select); coding-DNA position 120, G replaced by C.
Protein change: p.Trp40Cys; replaces tryptophan 40 with cysteine.
Molecular consequence: missense variant.
Genome position (GRCh38, 1-based): chr12:7,190,497, G>C. VCF-style: chr12-7190497-G-C. GRCh37 (hg19) VCF-style: chr12-7343093-G-C.
Other names: c.120G>C, p.Trp40Cys (NM_000319.5, NM_001131023.2, NM_001131024.2 and 22 more transcripts); short protein forms W40C.
Identifiers: ClinVar variation 1058003 (VCV001058003.6), dbSNP rs2135879116, ClinGen allele CA383708078.
Genomic context (GRCh38, chr12:7,190,497, plus strand): 5'-CGCCGGGCACTTCACCCAGGACAAGGCCCTTCGGCAGGAGGGATTGAGGCCTGGCCCCTG[G>C]CCCCCCGGAGCCCCGGCCTCTGAGGCAGTGAGTGTTCTTGAGGTGGAAAGCCCAGGTGCA-3'
Protein context (NP_001338061.1, residues 30-50): LRQEGLRPGP[Trp40Cys]PPGAPASEAA

ClinVar aggregate classification (germline): Uncertain significance (1 of 4 stars; one submission).

Conditions:
Peroxisome biogenesis disorder 2B (PBD2B). Identifiers: Orphanet 44, MedGen C3550234, MONDO:0008736, OMIM 202370.

Submission:

Labcorp Genetics (formerly Invitae), Labcorp
Classification: Uncertain significance for Peroxisome biogenesis disorder 2B. Last evaluated: 2021-09-02. Review status: criteria provided, single submitter. Criteria: Invitae Variant Classification Sherloc (09022015). Collection method: clinical testing. Allele origin: germline.
Comment: This sequence change replaces tryptophan with cysteine at codon 40 of the PEX5 protein (p.Trp40Cys). The tryptophan residue is weakly conserved and there is a large physicochemical difference between tryptophan and cysteine. This variant is not present in population databases (ExAC no frequency). This variant has not been reported in the literature in individuals affected with PEX5-related conditions. Algorithms developed to predict the effect of missense changes on protein structure and function (SIFT, PolyPhen-2, Align-GVGD) all suggest that this variant is likely to be tolerated. In summary, the available evidence is currently insufficient to determine the role of this variant in disease. Therefore, it has been classified as a Variant of Uncertain Significance.